The following is an entry in ClinVar:

NM_021738.3(SVIL):c.3552T>G (p.Ile1184Met)

Gene: SVIL (supervillin; minus strand). Cytogenetic location: 10p11.23.
Variant type: single nucleotide variant.
Coding change: c.3552T>G on transcript NM_021738.3 (MANE Select); coding-DNA position 3552, T replaced by G.
Protein change: p.Ile1184Met; replaces isoleucine 1184 with methionine.
Molecular consequence: missense variant.
Genome position (GRCh38, 1-based): chr10:29,499,228, A>C on the plus strand (T>G on the coding strand, the complement: SVIL is on the minus strand). VCF-style: chr10-29499228-A-C. GRCh37 (hg19) VCF-style: chr10-29788157-A-C.
Other names: c.2622T>G, p.Ile874Met (NM_001323599.2); c.2370T>G, p.Ile790Met (NM_001323600.1); c.2274T>G, p.Ile758Met (NM_003174.3); short protein forms I790M, I874M, I758M, I1184M.
Identifiers: ClinVar variation 2184271 (VCV002184271.4), dbSNP rs1189228939, ClinGen allele CA376416009.
Genomic context (GRCh38, chr10:29,499,228, plus strand): 5'-TCCTCTGCCTCTCGTCTTCCAGGCCTCCTCTCTCACAGTGATGAGCTGCTTCCTCTCCTC[A>C]ATCGTCATTTGGCTCTCTCGACTTTCTGTGACCCGCTGTTCATAAATGTACAGAAGAGAA-3'
Protein context (NP_068506.2, residues 1174-1194): VTESRESQMT[Ile1184Met]EERKQLITVR

ClinVar aggregate classification (germline): Uncertain significance (1 of 4 stars; one submission).

Allele frequency attached by ClinVar (database versions not stated): TOPMed below 0.00001; gnomAD 0.00001.
gnomAD v4.1: 1 of 1,614,042 alleles (0.000062%); highest among the groups gnomAD compares: Non-Finnish European, 0.000085%; no homozygotes.

Submission:

Labcorp Genetics (formerly Invitae), Labcorp
Classification: Uncertain significance. Last evaluated: 2022-07-25. Review status: criteria provided, single submitter. Criteria: Invitae Variant Classification Sherloc (09022015). Collection method: clinical testing. Allele origin: germline.
Comment: In summary, the available evidence is currently insufficient to determine the role of this variant in disease. Therefore, it has been classified as a Variant of Uncertain Significance. Algorithms developed to predict the effect of missense changes on protein structure and function are either unavailable or do not agree on the potential impact of this missense change (SIFT: "Deleterious"; PolyPhen-2: "Probably Damaging"; Align-GVGD: "Class C0"). This missense change has been observed in individual(s) with myopathy (Invitae). This variant is not present in population databases (gnomAD no frequency). This sequence change replaces isoleucine, which is neutral and non-polar, with methionine, which is neutral and non-polar, at codon 758 of the SVIL protein (p.Ile758Met).